The following is an entry in ClinVar:

ClinVar aggregate classification (germline): Uncertain significance (1 of 4 stars; one submission).

Allele frequency attached by ClinVar (database versions not stated): gnomAD exomes below 0.00001.

Submission:

Labcorp Genetics (formerly Invitae), Labcorp
Classification: Uncertain significance. Last evaluated: 2022-09-12. Review status: criteria provided, single submitter. Criteria: Invitae Variant Classification Sherloc (09022015). Collection method: clinical testing. Allele origin: germline.
Comment: In summary, the available evidence is currently insufficient to determine the role of this variant in disease. Therefore, it has been classified as a Variant of Uncertain Significance. Algorithms developed to predict the effect of missense changes on protein structure and function are either unavailable or do not agree on the potential impact of this missense change (SIFT: "Tolerated"; PolyPhen-2: "Possibly Damaging"; Align-GVGD: "Class C0"). This variant has not been reported in the literature in individuals affected with GPR88-related conditions. This variant is not present in population databases (gnomAD no frequency). This sequence change replaces valine, which is neutral and non-polar, with leucine, which is neutral and non-polar, at codon 301 of the GPR88 protein (p.Val301Leu).

NM_022049.3(GPR88):c.901G>C (p.Val301Leu)

Gene: GPR88 (G protein-coupled receptor 88; plus strand). Cytogenetic location: 1p21.2.
Variant type: single nucleotide variant.
Coding change: c.901G>C on transcript NM_022049.3 (MANE Select); coding-DNA position 901, G replaced by C.
Protein change: p.Val301Leu; replaces valine 301 with leucine.
Molecular consequence: missense variant.
Genome position (GRCh38, 1-based): chr1:100,539,867, G>C. VCF-style: chr1-100539867-G-C. GRCh37 (hg19) VCF-style: chr1-101005423-G-C.
Other names: short protein forms V301L.
Identifiers: ClinVar variation 1908671 (VCV001908671.5), dbSNP rs2524560592, ClinGen allele CA341392708.